The following is an entry in ClinVar:

NM_001958.5(EEF1A2):c.137C>T (p.Ala46Val)

Gene: EEF1A2 (eukaryotic translation elongation factor 1 alpha 2; minus strand). Cytogenetic location: 20q13.33.
Variant type: single nucleotide variant.
Coding change: c.137C>T on transcript NM_001958.5 (MANE Select); coding-DNA position 137, C replaced by T.
Protein change: p.Ala46Val; replaces alanine 46 with valine.
Molecular consequence: missense variant.
Genome position (GRCh38, 1-based): chr20:63,497,627, G>A on the plus strand (C>T on the coding strand, the complement: EEF1A2 is on the minus strand). VCF-style: chr20-63497627-G-A. GRCh37 (hg19) VCF-style: chr20-62128980-G-A.
Other names: short protein forms A46V.
Identifiers: ClinVar variation 476033 (VCV000476033.9), dbSNP rs1555883973, ClinGen allele CA409651682.

ClinVar aggregate classification (germline): Uncertain significance (1 of 4 stars; one submission).

Conditions:
Developmental and epileptic encephalopathy, 33 (DEE33). Also called: Epileptic encephalopathy, early infantile, 33. Identifiers: Orphanet 442835, MedGen C4225337, MONDO:0014625, OMIM 616409.

Submission:

Labcorp Genetics (formerly Invitae), Labcorp
Classification: Uncertain significance for Developmental and epileptic encephalopathy, 33. Last evaluated: 2018-03-18. Review status: criteria provided, single submitter. Criteria: Invitae Variant Classification Sherloc (09022015). Collection method: clinical testing. Allele origin: germline.
Comment: This sequence change replaces alanine with valine at codon 46 of the EEF1A2 protein (p.Ala46Val). The alanine residue is highly conserved and there is a small physicochemical difference between alanine and valine. This variant is not present in population databases (ExAC no frequency). In summary, this variant has uncertain impact on EEF1A2 function. The available evidence is currently insufficient to determine its role in disease. Therefore, it has been classified as a Variant of Uncertain Significance. Algorithms developed to predict the effect of sequence changes on RNA splicing suggest that this variant may create or strengthen a splice site, but this prediction has not been confirmed by published transcriptional studies. Algorithms developed to predict the effect of missense changes on protein structure and function do not agree on the potential impact of this missense change (SIFT: "Deleterious"; PolyPhen-2: "Probably Damaging"; Align-GVGD: "Class C0"). This variant has not been reported in the literature in individuals with a EEF1A2-related disease.